The following is an entry in ClinVar:

NM_003183.6(ADAM17):c.2097T>A (p.Asp699Glu)

Genes: ADAM17 (ADAM metallopeptidase domain 17; minus strand), IAH1 (isoamyl acetate hydrolyzing esterase 1 (putative); plus strand). Cytogenetic location: 2p25.1.
Variant type: single nucleotide variant.
Coding change: c.2097T>A on transcript NM_003183.6 (MANE Select); coding-DNA position 2097, T replaced by A.
Protein change: p.Asp699Glu; replaces aspartic acid 699 with glutamic acid.
Molecular consequence: missense variant.
Genome position (GRCh38, 1-based): chr2:9,491,137, A>T on the plus strand (T>A on the coding strand, the complement: ADAM17 is on the minus strand). VCF-style: chr2-9491137-A-T. GRCh37 (hg19) VCF-style: chr2-9631266-A-T.
Other names: c.1437T>A, p.Asp479Glu (NM_001382777.1); c.1200T>A, p.Asp400Glu (NM_001382778.1); c.2097T>A (NM_003183.4); short protein forms D400E, D699E, D479E.
Identifiers: ClinVar variation 1415543 (VCV001415543.5), dbSNP rs765883520, ClinGen allele CA1523315.
Genomic context (GRCh38, chr2:9,491,137, plus strand): 5'-GTTTCTTTCATATGGTATACTTACACTGGGGTGAAACAGAGACAGAGATTCATACTGTTT[A>T]TCCAATTTCTTATCCTAGAAAGAAACAGCAAGAAGGTCATTCCCTACAAATACAATTCAG-3'
Protein context (NP_003174.3, residues 689-709): ILVHCVDKKL[Asp699Glu]KQYESLSLFH

ClinVar aggregate classification (germline): Uncertain significance. Review status: criteria provided, multiple submitters, no conflicts (2 of 4 stars). 2 submissions from 2 submitters: Uncertain significance (2). Last evaluated 2025-12-20.

Conditions:
Inborn genetic diseases. Identifiers: MedGen C0950123, MeSH D030342.
Inflammatory skin and bowel disease, neonatal, 1. Identifiers: Orphanet 294023, MedGen C3280501, MONDO:0013693, OMIM 614328.

Allele frequency attached by ClinVar (database versions not stated): gnomAD exomes 0.00001 and 0.00002; ExAC 0.00003; gnomAD 0.00003; TOPMed 0.00004.
gnomAD v4.1: 35 of 1,613,088 alleles (0.0022%); highest among the groups gnomAD compares: Non-Finnish European, 0.0028%; no homozygotes.

Submissions (2):

Labcorp Genetics (formerly Invitae), Labcorp
Classification: Uncertain significance for Inflammatory skin and bowel disease, neonatal, 1. Last evaluated: 2025-12-20. Review status: criteria provided, single submitter. Criteria: Invitae Variant Classification Sherloc (09022015). Collection method: clinical testing. Allele origin: germline.
Comment: This sequence change replaces aspartic acid, which is acidic and polar, with glutamic acid, which is acidic and polar, at codon 699 of the ADAM17 protein (p.Asp699Glu). This variant is present in population databases (rs765883520, gnomAD 0.004%). This variant has not been reported in the literature in individuals affected with ADAM17-related conditions. ClinVar contains an entry for this variant (Variation ID: 1415543). An algorithm developed to predict the effect of missense changes on protein structure and function (PolyPhen-2) suggests that this variant is likely to be disruptive. In summary, the available evidence is currently insufficient to determine the role of this variant in disease. Therefore, it has been classified as a Variant of Uncertain Significance.

Ambry Genetics
Classification: Uncertain significance for Inborn genetic diseases. Last evaluated: 2024-02-17. Review status: criteria provided, single submitter. Criteria: Ambry Variant Classification Scheme 2023. Collection method: clinical testing. Allele origin: germline.